The following is an entry in ClinVar:

NM_002693.3(POLG):c.3532G>A (p.Ala1178Thr)

Gene: POLG (DNA polymerase gamma, catalytic subunit; minus strand). Cytogenetic location: 15q26.1.
Variant type: single nucleotide variant.
Coding change: c.3532G>A on transcript NM_002693.3 (MANE Select); coding-DNA position 3532, G replaced by A.
Protein change: p.Ala1178Thr; replaces alanine 1178 with threonine.
Molecular consequence: missense variant.
Genome position (GRCh38, 1-based): chr15:89,317,487, C>T on the plus strand (G>A on the coding strand, the complement: POLG is on the minus strand). VCF-style: chr15-89317487-C-T. GRCh37 (hg19) VCF-style: chr15-89860718-C-T.
Other names: c.3532G>A, p.Ala1178Thr (NM_001126131.2); short protein forms A1178T.
Identifiers: ClinVar variation 1418532 (VCV001418532.8), dbSNP rs770149949, ClinGen allele CA7724102.

ClinVar aggregate classification (germline): Uncertain significance. Review status: criteria provided, multiple submitters, no conflicts (2 of 4 stars). 3 submissions from 3 submitters: Uncertain significance (3). Last evaluated 2026-02-10.

Conditions:
Progressive sclerosing poliodystrophy (MTDPS4A). Also called: Mitochondrial DNA Depletion Syndrome 4A; Alpers-Huttenlocher Syndrome (AHS); ALPERS PROGRESSIVE INFANTILE POLIODYSTROPHY; Alpers Syndrome; ALPERS DIFFUSE DEGENERATION OF CEREBRAL GRAY MATTER WITH HEPATIC CIRRHOSIS; Alpers-Huttenlocher Syndrome. Identifiers: Orphanet 726, MedGen C0205710, MONDO:0008758, OMIM 203700.
Sensory ataxic neuropathy, dysarthria, and ophthalmoparesis (SANDO). Also called: Ataxia Neuropathy Spectrum (ANS); SENSORY ATAXIC NEUROPATHY WITH MITOCHONDRIAL DNA DELETIONS, AUTOSOMAL RECESSIVE; Sensory ataxic neuropathy-dysarthria-ophthalmoparesis syndrome; Epilepsy, progressive myoclonic, type 5. Identifiers: Orphanet 70595, MedGen C1843851, MONDO:0011835, OMIM 607459.
Mitochondrial DNA depletion syndrome 4b. Also called: Mitochondrial Neurogastrointestinal Encephalopathy Disease, POLG-Related; MNGIE, POLG-RELATED. Identifiers: Orphanet 298, MedGen C3150914, MONDO:0013350, OMIM 613662.
Mitochondrial DNA depletion syndrome 1. Also called: POLYNEUROPATHY, OPHTHALMOPLEGIA, LEUKOENCEPHALOPATHY, AND INTESTINAL PSEUDOOBSTRUCTION; Mitochondrial neurogastrointestinal encephalomyopathy syndrome; Mitochondrial Neurogastrointestinal Encephalopathy Disease; MITOCHONDRIAL NEUROGASTROINTESTINAL ENCEPHALOPATHY SYNDROME, TYMP-RELATED; MNGIE, TYMP-RELATED; POLIP SYNDROME. Identifiers: Orphanet 298, MedGen C4551995, MONDO:0011283, OMIM 603041.
Progressive external ophthalmoplegia with mitochondrial DNA deletions, autosomal dominant 1 (PEOA1). Also called: Autosomal Dominant Progressive External Ophthalmoplegia (adPEO); PROGRESSIVE EXTERNAL OPHTHALMOPLEGIA, AUTOSOMAL DOMINANT 1. Identifiers: MedGen C1834846, MONDO:0024528, OMIM 157640.
Progressive external ophthalmoplegia with mitochondrial DNA deletions, autosomal recessive 1 (PEOB1). Also called: Progressive external ophthalmoplegia, autosomal recessive 1; Autosomal Recessive Progressive External Ophthalmoplegia (arPEO). Identifiers: Orphanet 254886, MedGen C4225153, MONDO:0009783, OMIM 258450.

Allele frequency attached by ClinVar (database versions not stated): gnomAD exomes 0.00001 and 0.00002; ExAC 0.00001.

Submissions (3):

Dasa
Classification: Uncertain significance. Last evaluated: 2026-02-10. Review status: criteria provided, single submitter. Criteria: DASA Assertion Criteria. Collection method: clinical testing. Allele origin: germline.
Comment: NM_002693.3(POLG):c.3532G>A (p.Ala1178Thr) is a missense variant that results in the substitution of alanine with threonine. This variant is rare in population databases. Computational prediction algorithms are consistent with a deleterious effect. The currently available literature and clinical evidence are not sufficient to establish a definitive association between this variant and the reported condition. Therefore, this variant is classified as a variant of uncertain significance.

Labcorp Genetics (formerly Invitae), Labcorp
Classification: Uncertain significance for Progressive sclerosing poliodystrophy. Last evaluated: 2022-08-03. Review status: criteria provided, single submitter. Criteria: Invitae Variant Classification Sherloc (09022015). Collection method: clinical testing. Allele origin: germline.
Comment: This sequence change replaces alanine, which is neutral and non-polar, with threonine, which is neutral and polar, at codon 1178 of the POLG protein (p.Ala1178Thr). This variant is present in population databases (rs770149949, gnomAD 0.01%). This variant has not been reported in the literature in individuals affected with POLG-related conditions. ClinVar contains an entry for this variant (Variation ID: 1418532). Algorithms developed to predict the effect of missense changes on protein structure and function (SIFT, PolyPhen-2, Align-GVGD) all suggest that this variant is likely to be disruptive. In summary, the available evidence is currently insufficient to determine the role of this variant in disease. Therefore, it has been classified as a Variant of Uncertain Significance.

Fulgent Genetics
Classification: Uncertain significance for Progressive external ophthalmoplegia with mitochondrial DNA deletions, autosomal dominant 1; Progressive sclerosing poliodystrophy; Progressive external ophthalmoplegia with mitochondrial DNA deletions, autosomal recessive 1; Mitochondrial DNA depletion syndrome 1; Sensory ataxic neuropathy, dysarthria, and ophthalmoparesis; Mitochondrial DNA depletion syndrome 4b. Last evaluated: 2021-12-08. Review status: criteria provided, single submitter. Criteria: ACMG Guidelines, 2015. Collection method: clinical testing. Allele origin: unknown.